The following is an entry in ClinVar:

NM_002294.3(LAMP2):c.742-16TCT[2]

Gene: LAMP2 (lysosome associated membrane protein 2; minus strand). Cytogenetic location: Xq24.
Variant type: Microsatellite.
Coding change: c.742-16TCT[2] on transcript NM_002294.3 (MANE Select); two copies in a row of the 3-base unit TCT starting at c.742-16; the reference has three copies in a row; one copy, 3 bases deleted.
Molecular consequence: intron variant.
Genome position (GRCh38, 1-based): chrX:120,446,435-120,446,437, AGA deleted on the plus strand (TCT on the coding strand, the reverse complement: LAMP2 is on the minus strand); deleting any 3 consecutive bases within chrX:120,446,435-120,446,444 gives the same sequence; the position shown is the placement nearest the transcript's 3' end. VCF-style (leftmost placement, unchanged base first): chrX-120446434-GAGA-G. GRCh37 (hg19) VCF-style: chrX-119580289-GAGA-G.
Other names: c.742-10_742-8delTCT (NM_002294.2); c.742-16TCT[2] (NM_001122606.1, NM_013995.2).
Identifiers: ClinVar variation 180865 (VCV000180865.14), dbSNP rs730880476, ClinGen allele CA333624.

ClinVar aggregate classification (germline): Benign/Likely benign. Review status: criteria provided, multiple submitters, no conflicts (2 of 4 stars). 4 submissions from 4 submitters: Benign (2); Likely benign (1). 1 of the submissions does not count toward it. Last evaluated 2026-02-02.

Conditions:
LAMP2-related disorder. Also called: LAMP2-related condition.
Cardiomyopathy (CMYO). Also called: Cardiomyopathies. Identifiers: Orphanet 167848, MedGen C0878544, MONDO:0004994, HP:0001638. Inheritance: Various modes of inheritance.
Danon disease. Also called: ANTOPOL DISEASE; PSEUDOGLYCOGENOSIS II; Glycogen Storage Disease Type IIb; GSD IIb; LYSOSOMAL GLYCOGEN STORAGE DISEASE WITHOUT ACID MALTASE DEFICIENCY. Identifiers: Orphanet 34587, MedGen C0878677, MONDO:0010281, OMIM 300257.

Submissions (4):

Labcorp Genetics (formerly Invitae), Labcorp
Classification: Benign for Danon disease. Last evaluated: 2026-02-02. Review status: criteria provided, single submitter. Criteria: Invitae Variant Classification Sherloc (09022015). Collection method: clinical testing. Allele origin: germline.

Blueprint Genetics
Classification: Likely benign. Last evaluated: 2024-11-21. Review status: criteria provided, single submitter. Criteria: ACMG Guidelines, 2015. Collection method: clinical testing. Allele origin: germline.

GeneDx
Classification: Benign for Dannon Disease; cardiomyopathy. Last evaluated: 2014-04-01. Review status: criteria provided, single submitter. Criteria: GeneDx Variant Classification (06012015). Collection method: clinical testing. Allele origin: germline. Affected: yes.
Comment: The variant is found in DCM,HCM panel(s).

PreventionGenetics, part of Exact Sciences
Classification: Likely benign for LAMP2-related condition. Last evaluated: 2020-11-14. Review status: no assertion criteria provided. Collection method: clinical testing. Allele origin: germline. Not counted in ClinVar's aggregate classification.
Comment: This variant is classified as likely benign based on ACMG/AMP sequence variant interpretation guidelines (Richards et al. 2015 PMID: 25741868, with internal and published modifications).